The following is an entry in ClinVar:

NM_001166108.2(PALLD):c.832A>G (p.Arg278Gly)

Gene: PALLD (palladin, cytoskeletal associated protein; plus strand). Cytogenetic location: 4q32.3.
Variant type: single nucleotide variant.
Coding change: c.832A>G on transcript NM_001166108.2 (MANE Select); coding-DNA position 832, A replaced by G.
Protein change: p.Arg278Gly; replaces arginine 278 with glycine.
Molecular consequence: missense variant.
Genome position (GRCh38, 1-based): chr4:168,512,336, A>G. VCF-style: chr4-168512336-A-G. GRCh37 (hg19) VCF-style: chr4-169433487-A-G.
Other names: c.832A>G, p.Arg278Gly (NM_016081.4); short protein forms R278G.
Identifiers: ClinVar variation 2448458 (VCV002448458.2), dbSNP rs2531437229, ClinGen allele CA358728471.
Genomic context (GRCh38, chr4:168,512,336, plus strand): 5'-CACCCACAGCCCCACAGCGCCCTCCACTTCCCAGCTGCACCTCGATTCATCCAAAAGCTG[A>G]GGAGCCAAGAAGTAGCAGAAGGGAGCCGAGTTTATCTGGAGTGTAGAGTCACTGGAAACC-3'
Protein context (NP_001159580.1, residues 268-288): PAAPRFIQKL[Arg278Gly]SQEVAEGSRV

ClinVar aggregate classification (germline): Uncertain significance (1 of 4 stars; one submission).

Submission:

Ambry Genetics
Classification: Uncertain significance. Last evaluated: 2022-11-30. Review status: criteria provided, single submitter. Criteria: Ambry Variant Classification Scheme 2023. Collection method: clinical testing. Allele origin: germline.
Comment: The p.R278G variant (also known as c.832A>G), located in coding exon 1 of the PALLD gene, results from an A to G substitution at nucleotide position 832. The arginine at codon 278 is replaced by glycine, an amino acid with dissimilar properties. This amino acid position is conserved. In addition, the in silico prediction for this alteration is inconclusive. Since supporting evidence is limited at this time, the clinical significance of this alteration remains unclear.